The following is an entry in ClinVar:

NM_003901.4(SGPL1):c.1534A>T (p.Met512Leu)

Gene: SGPL1 (sphingosine-1-phosphate lyase 1; plus strand). Cytogenetic location: 10q22.1.
Variant type: single nucleotide variant.
Coding change: c.1534A>T on transcript NM_003901.4 (MANE Select); coding-DNA position 1534, A replaced by T.
Protein change: p.Met512Leu; replaces methionine 512 with leucine.
Molecular consequence: missense variant.
Genome position (GRCh38, 1-based): chr10:70,876,629, A>T. VCF-style: chr10-70876629-A-T. GRCh37 (hg19) VCF-style: chr10-72636386-A-T.
Other names: short protein forms M512L.
Identifiers: ClinVar variation 2012163 (VCV002012163.4), dbSNP rs772411324, ClinGen allele CA377126712.
Genomic context (GRCh38, chr10:70,876,629, plus strand): 5'-GCCCGGAAACGAGTAGCTATACAATTCCTAAAGGACATTCGAGAATCTGTCACTCAAATC[A>T]TGAAGAATCCTAAAGCGAAGACCACAGGAATGGTAGGGACACTTGGAGTTTTTTTTCTTC-3'
Protein context (NP_003892.2, residues 502-522): KDIRESVTQI[Met512Leu]KNPKAKTTGM

ClinVar aggregate classification (germline): Uncertain significance (1 of 4 stars; one submission).

gnomAD v4.1: 3 of 1,613,830 alleles (0.00019%); highest among the groups gnomAD compares: South Asian, 0.0011%; no homozygotes.

Submission:

Labcorp Genetics (formerly Invitae), Labcorp
Classification: Uncertain significance. Last evaluated: 2022-06-29. Review status: criteria provided, single submitter. Criteria: Invitae Variant Classification Sherloc (09022015). Collection method: clinical testing. Allele origin: germline.
Comment: Algorithms developed to predict the effect of missense changes on protein structure and function (SIFT, PolyPhen-2, Align-GVGD) all suggest that this variant is likely to be tolerated. In summary, the available evidence is currently insufficient to determine the role of this variant in disease. Therefore, it has been classified as a Variant of Uncertain Significance. This sequence change replaces methionine, which is neutral and non-polar, with leucine, which is neutral and non-polar, at codon 512 of the SGPL1 protein (p.Met512Leu). This variant is not present in population databases (gnomAD no frequency). This variant has not been reported in the literature in individuals affected with SGPL1-related conditions.